The following is an entry in ClinVar:

ClinVar aggregate classification (germline): Uncertain significance (1 of 4 stars; one submission).

Submission:

Institute for Human Genetics, University Hospital Essen
Classification: Uncertain significance. Last evaluated: 2025-11-27. Review status: criteria provided, single submitter. Criteria: Submitter's publication. Collection method: clinical testing. Allele origin: de novo. Inheritance: Autosomal unknown. Affected: yes. Observed: 1 variant allele, 1 compound heterozygote.
Comment: PS2_supp, PM1, PM2_supp (criteria rationale detailed in Leitão et al. Nature Genetics 2026)

NR_199791.1(RNU2-2):n.5C>A

Genes: RNU2-2 (RNA, U2 small nuclear 2; minus strand), WDR74 (WD repeat domain 74; minus strand). Cytogenetic location: 11q12.3.
Variant type: single nucleotide variant.
Molecular consequence: non-coding transcript variant (on NR_199791.1). On other transcripts: 5 prime UTR variant (1).
Genome position: GRCh38 VCF-style: chr11-62841805-G-T. GRCh37 (hg19) VCF-style: chr11-62609277-G-T.
Other names: c.-534C>A (NM_001369451.1).
Identifiers: ClinVar variation 4540470 (VCV004540470.1).